The following is an entry in ClinVar:

ClinVar aggregate classification (germline): Uncertain significance. Review status: criteria provided, multiple submitters, no conflicts (2 of 4 stars). 3 submissions from 3 submitters: Uncertain significance (3). Last evaluated 2024-11-21.

Conditions:
Microcephaly-intellectual disability-sensorineural hearing loss-epilepsy-abnormal muscle tone syndrome (NEDHSB). Also called: NEURODEVELOPMENTAL DISORDER WITH HEARING LOSS, SEIZURES, AND BRAIN ABNORMALITIES. Identifiers: Orphanet 457351, MedGen C4225276, MONDO:0014698, OMIM 616577.

Allele frequency attached by ClinVar (database versions not stated): ExAC 0.00002; gnomAD exomes 0.00002; TOPMed 0.00002; ESP Exome Variant Server 0.00008.
gnomAD v4.1: 15 of 1,614,100 alleles (0.00093%); highest among the groups gnomAD compares: South Asian, 0.0033%; no homozygotes.

Submissions (3):

Blueprint Genetics
Classification: Uncertain significance. Last evaluated: 2024-11-21. Review status: criteria provided, single submitter. Criteria: ACMG Guidelines, 2015. Collection method: clinical testing. Allele origin: germline.

Labcorp Genetics (formerly Invitae), Labcorp
Classification: Uncertain significance for Microcephaly-intellectual disability-sensorineural hearing loss-epilepsy-abnormal muscle tone syndrome. Last evaluated: 2021-07-29. Review status: criteria provided, single submitter. Criteria: Invitae Variant Classification Sherloc (09022015). Collection method: clinical testing. Allele origin: germline.
Comment: This sequence change replaces arginine with histidine at codon 748 of the SPATA5 protein (p.Arg748His). The arginine residue is highly conserved and there is a small physicochemical difference between arginine and histidine. This variant is present in population databases (rs374116277, ExAC 0.006%). This variant has not been reported in the literature in individuals affected with SPATA5-related conditions. Advanced modeling of protein sequence and biophysical properties (such as structural, functional, and spatial information, amino acid conservation, physicochemical variation, residue mobility, and thermodynamic stability) performed at Invitae indicates that this missense variant is expected to disrupt SPATA5 protein function. In summary, the available evidence is currently insufficient to determine the role of this variant in disease. Therefore, it has been classified as a Variant of Uncertain Significance.

GeneDx
Classification: Uncertain significance. Last evaluated: 2020-01-14. Review status: criteria provided, single submitter. Criteria: GeneDx Variant Classification Process June 2021. Collection method: clinical testing. Allele origin: germline. Affected: yes.
Comment: Not observed at a significant frequency in large population cohorts (Lek et al., 2016); In silico analysis, which includes protein predictors and evolutionary conservation, supports a deleterious effect; Has not been previously published as pathogenic or benign to our knowledge

NM_145207.3(AFG2A):c.2243G>A (p.Arg748His)

Gene: AFG2A (AAA ATPase AFG2A; plus strand). Cytogenetic location: 4q28.1.
Variant type: single nucleotide variant.
Coding change: c.2243G>A on transcript NM_145207.3 (MANE Select); coding-DNA position 2243, G replaced by A.
Protein change: p.Arg748His; replaces arginine 748 with histidine.
Molecular consequence: missense variant.
Genome position (GRCh38, 1-based): chr4:123,090,608, G>A. VCF-style: chr4-123090608-G-A. GRCh37 (hg19) VCF-style: chr4-124011763-G-A.
Other names: c.2240G>A, p.Arg747His (NM_001345856.2); short protein forms R747H, R748H.
Identifiers: ClinVar variation 1311912 (VCV001311912.5), dbSNP rs374116277, ClinGen allele CA3070692.